The following is an entry in ClinVar:

NM_001267550.2(TTN):c.66289del (p.Thr22097fs)

Genes: TTN (titin; minus strand), TTN-AS1 (TTN antisense RNA 1; plus strand). Cytogenetic location: 2q31.2.
Variant type: Deletion.
Coding change: c.66289del on transcript NM_001267550.2 (MANE Select); coding-DNA position 66289, one base deleted (A; older notation c.66289delA).
Protein change: p.Thr22097fs; shifts the reading frame from threonine 22097.
Molecular consequence: frameshift variant.
Genome position (GRCh38, 1-based): chr2:178,582,080, T deleted on the plus strand (A on the coding strand, the reverse complement: TTN is on the minus strand); the first of 3 consecutive T bases (chr2:178,582,080-178,582,082); deleting any one gives the same sequence. VCF-style (leftmost placement, unchanged base first): chr2-178582079-GT-G. GRCh37 (hg19) VCF-style: chr2-179446806-GT-G.
Other names: c.61366del, p.Thr20456fs (NM_001256850.1); c.39094del, p.Thr13032fs (NM_003319.4); c.58585del, p.Thr19529fs (NM_133378.4); c.39469del, p.Thr13157fs (NM_133432.3); c.39670del, p.Thr13224fs (NM_133437.4); short protein forms T13157fs, T13224fs, T13032fs, T20456fs, T22097fs, T19529fs.
Identifiers: ClinVar variation 4787152 (VCV004787152.1).

ClinVar aggregate classification (germline): Likely pathogenic (1 of 4 stars; one submission).

Conditions:
Autosomal recessive limb-girdle muscular dystrophy type 2J (LGMDR10). Also called: Limb-girdle muscular dystrophy, type 2J; MUSCULAR DYSTROPHY, LIMB-GIRDLE, AUTOSOMAL RECESSIVE 10. Identifiers: Orphanet 140922, MedGen C1837342, MONDO:0012127, OMIM 608807.
Dilated cardiomyopathy 1G (CMD1G). Identifiers: Orphanet 154, MedGen C1858763, MONDO:0011400, OMIM 604145.

Submission:

Labcorp Genetics (formerly Invitae), Labcorp
Classification: Likely pathogenic for Dilated cardiomyopathy 1G; Autosomal recessive limb-girdle muscular dystrophy type 2J. Last evaluated: 2025-12-29. Review status: criteria provided, single submitter. Criteria: Invitae Variant Classification Sherloc (09022015). Collection method: clinical testing. Allele origin: germline.
Comment: This sequence change creates a premature translational stop signal (p.Thr22097Profs*15) in the TTN gene. While this is not anticipated to result in nonsense mediated decay, it is expected to create a truncated TTN protein. This variant is not present in population databases (gnomAD no frequency). This variant has not been reported in the literature in individuals affected with TTN-related conditions. This variant is located in the A band of TTN (PMID: 25589632). Truncating variants in this region are significantly overrepresented in patients affected with dilated cardiomyopathy (PMID: 25589632). Truncating variants in this region have also been reported in individuals affected with autosomal recessive centronuclear myopathy (PMID: 23975875). In summary, the currently available evidence indicates that the variant is pathogenic, but additional data are needed to prove that conclusively. Therefore, this variant has been classified as Likely Pathogenic.

Literature cited by the submitters: PubMed 25589632; PubMed 23975875.